The following is an entry in ClinVar:

ClinVar aggregate classification (germline): Uncertain significance (1 of 4 stars; one submission).

Conditions:
Landau-Kleffner syndrome (FESD). Also called: EPILEPSY, FOCAL, WITH SPEECH DISORDER AND WITH OR WITHOUT MENTAL RETARDATION; APHASIA, ACQUIRED, WITH EPILEPSY. Identifiers: Orphanet 1945, Orphanet 725, Orphanet 98818, MedGen C0282512, MONDO:0009509, OMIM 245570.

Submission:

Labcorp Genetics (formerly Invitae), Labcorp
Classification: Uncertain significance for Landau-Kleffner syndrome. Last evaluated: 2018-09-10. Review status: criteria provided, single submitter. Criteria: Invitae Variant Classification Sherloc (09022015). Collection method: clinical testing. Allele origin: germline.
Comment: This sequence change replaces arginine with serine at codon 1072 of the GRIN2A protein (p.Arg1072Ser). The arginine residue is weakly conserved and there is a moderate physicochemical difference between arginine and serine. This variant is not present in population databases (ExAC no frequency). This variant has not been reported in the literature in individuals with GRIN2A-related disease. Algorithms developed to predict the effect of missense changes on protein structure and function (SIFT, PolyPhen-2, Align-GVGD) all suggest that this variant is likely to be tolerated, but these predictions have not been confirmed by published functional studies and their clinical significance is uncertain. In summary, the available evidence is currently insufficient to determine the role of this variant in disease. Therefore, it has been classified as a Variant of Uncertain Significance.

NM_001134407.3(GRIN2A):c.3216G>T (p.Arg1072Ser)

Gene: GRIN2A (glutamate ionotropic receptor NMDA type subunit 2A; minus strand). Cytogenetic location: 16p13.2.
Variant type: single nucleotide variant.
Coding change: c.3216G>T on transcript NM_001134407.3 (MANE Select); coding-DNA position 3216, G replaced by T.
Protein change: p.Arg1072Ser; replaces arginine 1072 with serine.
Molecular consequence: missense variant.
Genome position (GRCh38, 1-based): chr16:9,764,328, C>A on the plus strand (G>T on the coding strand, the complement: GRIN2A is on the minus strand). VCF-style: chr16-9764328-C-A. GRCh37 (hg19) VCF-style: chr16-9858185-C-A.
Other names: c.3216G>T, p.Arg1072Ser (NM_000833.5, NM_001134408.2); short protein forms R1072S.
Identifiers: ClinVar variation 646944 (VCV000646944.9), dbSNP rs767326993, ClinGen allele CA394708362.